The following is an entry in ClinVar:

ClinVar aggregate classification (germline): Likely benign. Review status: criteria provided, multiple submitters, no conflicts (2 of 4 stars). 3 submissions from 3 submitters: Likely benign (2). 1 of the submissions does not count toward it. Last evaluated 2026-05-29.

Conditions:
Usher syndrome type 1F (USH1F). Also called: USHER SYNDROME, TYPE IF. Identifiers: Orphanet 231169, Orphanet 886, MedGen C1865885, MONDO:0011186, OMIM 602083.
PCDH15-related disorder. Also called: PCDH15-related disorders; PCDH15-related condition.

Allele frequency attached by ClinVar (database versions not stated): gnomAD 0.00003 and 0.00004; TOPMed 0.00003; ExAC 0.00003.
gnomAD v4.1: 122 of 1,614,000 alleles (0.0076%); highest among the groups gnomAD compares: Non-Finnish European, 0.01%; no homozygotes.

Submissions (3):

PreventionGenetics, part of Exact Sciences
Classification: Likely benign for PCDH15-related condition. Last evaluated: 2026-05-29. Review status: criteria provided, single submitter. Criteria: ACMG Guidelines, 2015. Collection method: clinical testing. Allele origin: germline.
Comment: This variant is classified as likely benign based on ACMG/AMP sequence variant interpretation guidelines (Richards et al. 2015 PMID: 25741868, with internal and published modifications).

Labcorp Genetics (formerly Invitae), Labcorp
Classification: Likely benign. Last evaluated: 2026-01-28. Review status: criteria provided, single submitter. Criteria: Invitae Variant Classification Sherloc (09022015). Collection method: clinical testing. Allele origin: germline.

Natera, Inc.
Classification: Likely benign for Usher syndrome type 1F. Last evaluated: 2021-06-30. Review status: no assertion criteria provided. Collection method: clinical testing. Allele origin: germline. Not counted in ClinVar's aggregate classification.

NM_033056.4(PCDH15):c.4933C>T (p.Leu1645=)

Gene: PCDH15 (protocadherin related 15; minus strand). Cytogenetic location: 10q21.1.
Variant type: single nucleotide variant.
Coding change: c.4933C>T on transcript NM_033056.4 (MANE Plus Clinical); coding-DNA position 4933, C replaced by T.
Protein change: p.Leu1645=; no amino-acid change (leucine 1645 retained).
Molecular consequence: synonymous variant. On other transcripts: intron variant (8).
Genome position (GRCh38, 1-based): chr10:53,822,793, G>A on the plus strand (C>T on the coding strand, the complement: PCDH15 is on the minus strand). VCF-style: chr10-53822793-G-A. GRCh37 (hg19) VCF-style: chr10-55582553-G-A.
Other names: c.4954C>T, p.Leu1652= (NM_001142763.2); c.4939C>T, p.Leu1647= (NM_001142764.2); c.4726C>T, p.Leu1576= (NM_001142765.2); c.4924C>T, p.Leu1642= (NM_001142766.2); c.4813C>T, p.Leu1605= (NM_001142767.2); c.4873C>T, p.Leu1625= (NM_001142768.2); c.4864C>T, p.Leu1622= (NM_001142773.2); c.4867C>T, p.Leu1623= (NM_001354404.2); and 6 more.
Identifiers: ClinVar variation 738326 (VCV000738326.12), dbSNP rs61862392, ClinGen allele CA5505159.
Genomic context (GRCh38, chr10:53,822,793, plus strand): 5'-GAAAGCAAAATGAAGAGTCTGAAGAGAGAGATTTCAACTGTTCTGTTCCTTCTATCATCA[G>A]TGTTTCACCTTGCCTTATTTCCTCTTTCTCTGTCAAATTTGCCTCTTCAGTTGTAAGCAA-3'
Protein context (NP_149045.3, residues 1635-1655): EKEEIRQGET[Leu1645=]MIEGTEQLKS